The following is an entry in ClinVar:

ClinVar aggregate classification (germline): Benign/Likely benign. Review status: criteria provided, multiple submitters, no conflicts (2 of 4 stars). 2 submissions from 2 submitters: Benign (1); Likely benign (1). Last evaluated 2025-02-10.

Conditions:
Colorectal cancer, susceptibility to, 12 (CRCS12). Also called: COLORECTAL CANCER, SUSCEPTIBILITY TO, ON CHROMOSOME 12q24. Identifiers: Orphanet 220460, MedGen C3554460, MONDO:0014038, OMIM 615083.

Submissions (2):

Myriad Genetics, Inc.
Classification: Benign for Colorectal cancer, susceptibility to, 12. Last evaluated: 2025-02-10. Review status: criteria provided, single submitter. Criteria: Myriad Autosomal Dominant, Autosomal Recessive and X-Linked Classification Criteria (2023). Collection method: clinical testing. Allele origin: unknown.
Comment: This variant is considered benign. This variant is a silent/synonymous amino acid change and it is not expected to impact splicing.

Labcorp Genetics (formerly Invitae), Labcorp
Classification: Likely benign. Last evaluated: 2022-03-06. Review status: criteria provided, single submitter. Criteria: Invitae Variant Classification Sherloc (09022015). Collection method: clinical testing. Allele origin: germline.

NM_006231.4(POLE):c.1284C>G (p.Ala428=)

Gene: POLE (DNA polymerase epsilon, catalytic subunit; minus strand). Cytogenetic location: 12q24.33.
Variant type: single nucleotide variant.
Coding change: c.1284C>G on transcript NM_006231.4 (MANE Select); coding-DNA position 1284, C replaced by G.
Protein change: p.Ala428=; no amino-acid change (alanine 428 retained).
Molecular consequence: synonymous variant.
Genome position (GRCh38, 1-based): chr12:132,673,650, G>C on the plus strand (C>G on the coding strand, the complement: POLE is on the minus strand). VCF-style: chr12-132673650-G-C. GRCh37 (hg19) VCF-style: chr12-133250236-G-C.
Identifiers: ClinVar variation 2419675 (VCV002419675.8), dbSNP rs1555228629, ClinGen allele CA482722803.